The following is an entry in ClinVar:

ClinVar aggregate classification (germline): Uncertain significance (1 of 4 stars; one submission).

Conditions:
Fanconi anemia (FA). Also called: Fanconi's anemia. Identifiers: Orphanet 84, MedGen C0015625, MeSH D005199, MONDO:0019391.

gnomAD v4.1: 1 of 1,614,202 alleles (0.000062%); highest among the groups gnomAD compares: Non-Finnish European, 0.000085%; no homozygotes.

Submission:

Labcorp Genetics (formerly Invitae), Labcorp
Classification: Uncertain significance for Fanconi anemia. Last evaluated: 2025-05-07. Review status: criteria provided, single submitter. Criteria: Invitae Variant Classification Sherloc (09022015). Collection method: clinical testing. Allele origin: germline.
Comment: This sequence change replaces lysine, which is basic and polar, with glutamic acid, which is acidic and polar, at codon 217 of the SLX4 protein (p.Lys217Glu). This variant is not present in population databases (gnomAD no frequency). This variant has not been reported in the literature in individuals affected with SLX4-related conditions. An algorithm developed to predict the effect of missense changes on protein structure and function (PolyPhen-2) suggests that this variant is likely to be disruptive. In summary, the available evidence is currently insufficient to determine the role of this variant in disease. Therefore, it has been classified as a Variant of Uncertain Significance.

NM_032444.4(SLX4):c.649A>G (p.Lys217Glu)

Gene: SLX4 (SLX4 structure-specific endonuclease subunit; minus strand). Cytogenetic location: 16p13.3.
Variant type: single nucleotide variant.
Coding change: c.649A>G on transcript NM_032444.4 (MANE Select); coding-DNA position 649, A replaced by G.
Protein change: p.Lys217Glu; replaces lysine 217 with glutamic acid.
Molecular consequence: missense variant.
Genome position (GRCh38, 1-based): chr16:3,606,585, T>C on the plus strand (A>G on the coding strand, the complement: SLX4 is on the minus strand). VCF-style: chr16-3606585-T-C. GRCh37 (hg19) VCF-style: chr16-3656586-T-C.
Other names: short protein forms K217E.
Identifiers: ClinVar variation 4708596 (VCV004708596.1).